The following is an entry in ClinVar:

NM_003998.4(NFKB1):c.2122del (p.Glu708fs)

Gene: NFKB1 (nuclear factor kappa B subunit 1; plus strand). Cytogenetic location: 4q24.
Variant type: Deletion.
Coding change: c.2122del on transcript NM_003998.4 (MANE Select); coding-DNA position 2122, one base deleted (G; older notation c.2122delG).
Protein change: p.Glu708fs; shifts the reading frame from glutamic acid 708.
Molecular consequence: frameshift variant.
Genome position (GRCh38, 1-based): chr4:102,607,317, G deleted; the last of 2 consecutive G bases (chr4:102,607,316-102,607,317); deleting either gives the same sequence. VCF-style (leftmost placement, unchanged base first): chr4-102607315-TG-T. GRCh37 (hg19) VCF-style: chr4-103528472-TG-T.
Other names: c.2119del, p.Glu707fs (NM_001165412.2, NM_001319226.2, NM_001382627.1); c.2122del, p.Glu708fs (NM_001382625.1, NM_001382626.1); c.2080del, p.Glu694fs (NM_001382628.1); short protein forms E707fs, E708fs, E694fs.
Identifiers: ClinVar variation 2025699 (VCV002025699.4), dbSNP rs2476544279, ClinGen allele CA2580071282.
Genomic context (GRCh38, chr4:102,607,315, plus strand): 5'-GCACAGCACTGCACCTGGCTGTGGAGCACGACAACATCTCATTGGCAGGCTGCCTGCTCC[TG>T]GAGGTGAAGGGCACACTTATTTGCTTTTGCATTAAATTTCTGAGGGAGATTTAAGGAAAT-3'

ClinVar aggregate classification (germline): Pathogenic (1 of 4 stars; one submission).

Submission:

Labcorp Genetics (formerly Invitae), Labcorp
Classification: Pathogenic. Last evaluated: 2024-10-21. Review status: criteria provided, single submitter. Criteria: Invitae Variant Classification Sherloc (09022015). Collection method: clinical testing. Allele origin: germline.
Comment: This sequence change creates a premature translational stop signal (p.Glu708Argfs*19) in the NFKB1 gene. It is expected to result in an absent or disrupted protein product. Loss-of-function variants in NFKB1 are known to be pathogenic (PMID: 26279205, 29477724). This variant is not present in population databases (gnomAD no frequency). This variant has not been reported in the literature in individuals affected with NFKB1-related conditions. ClinVar contains an entry for this variant (Variation ID: 2025699). For these reasons, this variant has been classified as Pathogenic.

Literature cited by the submitters: PubMed 26279205; PubMed 29477724.